The following is an entry in ClinVar:

NM_000261.2(MYOC):c.1139A>G (p.Asp380Gly)

Gene: MYOC (myocilin; minus strand). Cytogenetic location: 1q24.3.
Variant type: single nucleotide variant.
Coding change: c.1139A>G on transcript NM_000261.2 (MANE Select); coding-DNA position 1139, A replaced by G.
Protein change: p.Asp380Gly; replaces aspartic acid 380 with glycine.
Molecular consequence: missense variant.
Genome position (GRCh38, 1-based): chr1:171,636,301, T>C on the plus strand (A>G on the coding strand, the complement: MYOC is on the minus strand). VCF-style: chr1-171636301-T-C. GRCh37 (hg19) VCF-style: chr1-171605441-T-C.
Other names: NM_000261.2:c.1139A>G; short protein forms D380G.
Identifiers: ClinVar variation 1342964 (VCV001342964.6), dbSNP rs2102944632, ClinGen allele CA343724569.

ClinVar aggregate classification (germline): Likely pathogenic. Review status: reviewed by expert panel (3 of 4 stars). 2 submissions from 2 submitters: Likely pathogenic (1). 1 of the submissions does not count toward it. Last evaluated 2026-01-20.

Conditions:
Open-angle glaucoma. Identifiers: MedGen C0017612, MONDO:0005338, HP:0012108.
Structural eye disease.

Submissions (2):

ClinGen Glaucoma Variant Curation Expert Panel
Classification: Likely pathogenic for Open-angle glaucoma. Last evaluated: 2026-01-20. Review status: reviewed by expert panel. Criteria: ClinGen Glaucoma ACMG Specifications V2.0.0 Approved. Collection method: curation. Allele origin: germline. Inheritance: Autosomal dominant inheritance.
Comment: The c.1139A>G variant in MYOC is a missense variant predicted to cause substitution of Aspartic Acid by Glycine at amino acid 380 (p.Asp380Gly). This variant was not found in any genetic ancestry group of gnomAD (v4.1.0), meeting the ≤ 0.0001 threshold set for PM2_Supporting in a genetic ancestry group of at least 10,000 alleles. The REVEL score = 0.964, which met the ≥ 0.932 threshold for PP3_Strong, predicting a damaging effect on MYOC function. The Asp380Gly protein had increased insolubility and reduced secretion levels compared to wild type myocilin protein in this study (J Hulleman pers. comm.). The assays met the OddsPath threshold for PS3_Moderate (> 4.3) (when combined with PMID: 35196929), indicating that this variant did impact protein function. Only 1 proband with juvenile open angle glaucoma had been reported (PMID: 9535666), not meeting the ≥ 2 probands threshold required to meet PS4_Supporting. Another missense variant (c.1138G>C, p.Asp380His, Grantham score = 81, ClinVar ID: 7961) in the same codon has been classified as likely pathogenic for juvenile open angle glaucoma by the ClinGen Glaucoma VCEP. The c.1139A>G, p.Asp380Gly variant has a higher Grantham score (= 94) than the previously classified amino acid change, was not predicted to affect splicing as assessed with SpliceAI (≤ 0.2), and met PP3, meeting the conditions for PM5_Supporting to apply. In summary, this variant met the criteria to receive a score of 8 and to be classified as likely pathogenic (likely pathogenic classification range 6 to 9, adapted from PMID: 32720330) for juvenile open angle glaucoma based on the ACMG/AMP criteria met, as specified by the ClinGen Glaucoma VCEP (v2.0.0, 5 Dec 2024): PP3_Strong, PS3_Moderate, PM2_Supporting, PM5_Supporting

North West Genomic Laboratory Hub, Manchester University NHS Foundation Trust
Classification: Pathogenic for Structural eye disease. Last evaluated: 2025-02-05. Review status: criteria provided, single submitter. Criteria: ACGS Best Practice Guidelines for Variant Classification in Rare Disease 2024. Collection method: clinical testing. Allele origin: germline. Affected: yes. Not counted in ClinVar's aggregate classification.
Comment: PM2_Mod PP3_Supp PM1_Mod PM5_Str PS4_Supp

Literature cited by the submitters: PubMed 35196929 (cited by ClinGen Glaucoma Variant Curation Expert Panel).